The following continues an entry in ClinVar:

NM_000548.5(TSC2):c.482-3C>T

Gene: TSC2. ClinVar aggregate classification (germline): Benign/Likely benign. Benign (15); Likely benign (1).

Submissions 25 to 38 of 38:

Dr. Peter K. Rogan Lab, Western University
No classification provided (evidence only). Condition: Adrenocortical carcinoma, hereditary. Review status: no classification provided. Collection method: in vitro. Allele origin: not applicable. Functional consequence: retained intron. Not counted in ClinVar's aggregate classification.

Dr. Peter K. Rogan Lab, Western University
No classification provided (evidence only). Condition: Adrenocortical carcinoma, hereditary. Review status: no classification provided. Collection method: in vitro. Allele origin: not applicable. Functional consequence: retained intron. Not counted in ClinVar's aggregate classification.

Dr. Peter K. Rogan Lab, Western University
No classification provided (evidence only). Condition: Adrenocortical carcinoma, hereditary. Review status: no classification provided. Collection method: in vitro. Allele origin: not applicable. Functional consequence: retained intron. Not counted in ClinVar's aggregate classification.

Dr. Peter K. Rogan Lab, Western University
No classification provided (evidence only). Condition: Adrenocortical carcinoma, hereditary. Review status: no classification provided. Collection method: in vitro. Allele origin: not applicable. Functional consequence: retained intron. Not counted in ClinVar's aggregate classification.

Dr. Peter K. Rogan Lab, Western University
No classification provided (evidence only). Condition: Adrenocortical carcinoma, hereditary. Review status: no classification provided. Collection method: in vitro. Allele origin: not applicable. Functional consequence: retained intron. Not counted in ClinVar's aggregate classification.

Dr. Peter K. Rogan Lab, Western University
No classification provided (evidence only). Condition: Adrenocortical carcinoma, hereditary. Review status: no classification provided. Collection method: in vitro. Allele origin: not applicable. Functional consequence: retained intron. Not counted in ClinVar's aggregate classification.

Dr. Peter K. Rogan Lab, Western University
No classification provided (evidence only). Condition: Adrenocortical carcinoma, hereditary. Review status: no classification provided. Collection method: in vitro. Allele origin: not applicable. Functional consequence: retained intron. Not counted in ClinVar's aggregate classification.

Dr. Peter K. Rogan Lab, Western University
No classification provided (evidence only). Condition: Uveal melanoma. Review status: no classification provided. Collection method: in vitro. Allele origin: not applicable. Functional consequence: retained intron. Not counted in ClinVar's aggregate classification.

Dr. Peter K. Rogan Lab, Western University
No classification provided (evidence only). Condition: Lymphoma. Review status: no classification provided. Collection method: in vitro. Allele origin: not applicable. Functional consequence: retained intron. Not counted in ClinVar's aggregate classification.

Genetic Services Laboratory, University of Chicago
Classification: Likely benign for AllHighlyPenetrant. Review status: no assertion criteria provided. Collection method: clinical testing. Allele origin: germline. Inheritance: Autosomal dominant inheritance. Not counted in ClinVar's aggregate classification.
Comment: Likely benign based on allele frequency in 1000 Genomes Project or ESP global frequency and its presence in a patient with a rare or unrelated disease phenotype. NOT Sanger confirmed.

Genome Diagnostics Laboratory, University Medical Center Utrecht
Classification: Benign. Review status: no assertion criteria provided. Collection method: clinical testing. Allele origin: germline. Affected: yes. Study: VKGL Data-share Consensus. Not counted in ClinVar's aggregate classification.

Tuberous sclerosis database (TSC2)
No classification provided. Condition: TSC. Review status: no classification provided. Criteria: Tuberous Sclerosis Database Assertion Criteria 2015. Collection method: curation. Allele origin: germline. Affected: yes. Not counted in ClinVar's aggregate classification.

Tuberous sclerosis database (TSC2)
No classification provided. Condition: Brain tumour. Review status: no classification provided. Criteria: Tuberous Sclerosis Database Assertion Criteria 2015. Collection method: curation. Allele origin: germline. Affected: yes. Not counted in ClinVar's aggregate classification.

Tuberous sclerosis database (TSC2)
No classification provided. Condition: TSC; LAM. Review status: no classification provided. Criteria: Tuberous Sclerosis Database Assertion Criteria 2015. Collection method: curation. Allele origin: germline. Affected: yes. Not counted in ClinVar's aggregate classification.